The following is an entry in ClinVar:

ClinVar aggregate classification (germline): Uncertain significance (1 of 4 stars; one submission).

gnomAD v4.1: 1 of 1,612,470 alleles (0.000062%); highest among the groups gnomAD compares: Non-Finnish European, 0.000085%; no homozygotes.

Submission:

Labcorp Genetics (formerly Invitae), Labcorp
Classification: Uncertain significance. Last evaluated: 2023-08-23. Review status: criteria provided, single submitter. Criteria: Invitae Variant Classification Sherloc (09022015). Collection method: clinical testing. Allele origin: germline.
Comment: This sequence change replaces valine, which is neutral and non-polar, with leucine, which is neutral and non-polar, at codon 398 of the KIF11 protein (p.Val398Leu). This variant is not present in population databases (gnomAD no frequency). This variant has not been reported in the literature in individuals affected with KIF11-related conditions. Advanced modeling of protein sequence and biophysical properties (such as structural, functional, and spatial information, amino acid conservation, physicochemical variation, residue mobility, and thermodynamic stability) performed at Invitae indicates that this missense variant is expected to disrupt KIF11 protein function. In summary, the available evidence is currently insufficient to determine the role of this variant in disease. Therefore, it has been classified as a Variant of Uncertain Significance.

NM_004523.4(KIF11):c.1192G>C (p.Val398Leu)

Gene: KIF11 (kinesin family member 11; plus strand). Cytogenetic location: 10q23.33.
Variant type: single nucleotide variant.
Coding change: c.1192G>C on transcript NM_004523.4 (MANE Select); coding-DNA position 1192, G replaced by C.
Protein change: p.Val398Leu; replaces valine 398 with leucine.
Molecular consequence: missense variant.
Genome position (GRCh38, 1-based): chr10:92,621,448, G>C. VCF-style: chr10-92621448-G-C. GRCh37 (hg19) VCF-style: chr10-94381205-G-C.
Other names: short protein forms V398L.
Identifiers: ClinVar variation 2795559 (VCV002795559.3), dbSNP rs150750261, ClinGen allele CA377591083.
Genomic context (GRCh38, chr10:92,621,448, plus strand): 5'-TATACGGAGGAGATAGAACGTTTAAAACGAGATCTTGCTGCAGCCCGTGAGAAAAATGGA[G>C]TGTATATTTCTGAAGAAAATTTTAGGTAAGCCCTTGGCTATGGAGTTAATTTCCAAGAAT-3'
Protein context (NP_004514.2, residues 388-408): DLAAAREKNG[Val398Leu]YISEENFRVM